The following is an entry in ClinVar:

ClinVar aggregate classification (germline): Uncertain significance (1 of 4 stars; one submission).

Allele frequency attached by ClinVar (database versions not stated): gnomAD exomes below 0.00001.
gnomAD v4.1: 1 of 1,572,904 alleles (0.000064%); highest among the groups gnomAD compares: Admixed American, 0.0019%; no homozygotes.

Submission:

Labcorp Genetics (formerly Invitae), Labcorp
Classification: Uncertain significance. Last evaluated: 2022-08-09. Review status: criteria provided, single submitter. Criteria: Invitae Variant Classification Sherloc (09022015). Collection method: clinical testing. Allele origin: germline.
Comment: This sequence change replaces glutamic acid, which is acidic and polar, with glutamine, which is neutral and polar, at codon 492 of the DEF6 protein (p.Glu492Gln). This variant is not present in population databases (gnomAD no frequency). This variant has not been reported in the literature in individuals affected with DEF6-related conditions. Algorithms developed to predict the effect of missense changes on protein structure and function output the following: SIFT: "Tolerated"; PolyPhen-2: "Benign"; Align-GVGD: "Class C0". The glutamine amino acid residue is found in multiple mammalian species, which suggests that this missense change does not adversely affect protein function. In summary, the available evidence is currently insufficient to determine the role of this variant in disease. Therefore, it has been classified as a Variant of Uncertain Significance.

NM_022047.4(DEF6):c.1474G>C (p.Glu492Gln)

Gene: DEF6 (DEF6 guanine nucleotide exchange factor; plus strand). Cytogenetic location: 6p21.31.
Variant type: single nucleotide variant.
Coding change: c.1474G>C on transcript NM_022047.4 (MANE Select); coding-DNA position 1474, G replaced by C.
Protein change: p.Glu492Gln; replaces glutamic acid 492 with glutamine.
Molecular consequence: missense variant.
Genome position (GRCh38, 1-based): chr6:35,319,910, G>C. VCF-style: chr6-35319910-G-C. GRCh37 (hg19) VCF-style: chr6-35287687-G-C.
Other names: short protein forms E492Q.
Identifiers: ClinVar variation 1991325 (VCV001991325.1), dbSNP rs2534192558, ClinGen allele CA363768299.